The following is an entry in ClinVar:

ClinVar aggregate classification (germline): Conflicting classifications of pathogenicity. Review status: criteria provided, conflicting classifications (1 of 4 stars). 2 submissions from 2 submitters: Uncertain significance (1); Likely benign (1). Last evaluated 2025-05-14.

Allele frequency attached by ClinVar (database versions not stated): gnomAD 0.00014; TOPMed 0.00014.
gnomAD v4.1: 31 of 1,465,904 alleles (0.0021%); highest among the groups gnomAD compares: African/African-American, 0.04%; no homozygotes.

Submissions (2):

Labcorp Genetics (formerly Invitae), Labcorp
Classification: Likely benign. Last evaluated: 2025-05-14. Review status: criteria provided, single submitter. Criteria: Invitae Variant Classification Sherloc (09022015). Collection method: clinical testing. Allele origin: germline.

GeneDx
Classification: Uncertain significance. Last evaluated: 2023-03-30. Review status: criteria provided, single submitter. Criteria: GeneDx Variant Classification Process June 2021. Collection method: clinical testing. Allele origin: germline. Affected: yes.
Comment: Has not been previously published as pathogenic or benign to our knowledge; In silico analysis supports that this variant does not alter splicing

NM_005247.4(FGF3):c.76C>A (p.Arg26=)

Genes: FGF3 (fibroblast growth factor 3; minus strand), LOC109115964 (FGF3 5' regulatory region; plus strand). Cytogenetic location: 11q13.3.
Variant type: single nucleotide variant.
Coding change: c.76C>A on transcript NM_005247.4 (MANE Select); coding-DNA position 76, C replaced by A.
Protein change: p.Arg26=; no amino-acid change (arginine 26 retained).
Molecular consequence: synonymous variant.
Genome position (GRCh38, 1-based): chr11:69,818,858, G>T on the plus strand (C>A on the coding strand, the complement: FGF3 is on the minus strand). VCF-style: chr11-69818858-G-T. GRCh37 (hg19) VCF-style: chr11-69633626-G-T.
Identifiers: ClinVar variation 1315023 (VCV001315023.5), dbSNP rs781923153, ClinGen allele CA475222369.
Genomic context (GRCh38, chr11:69,818,858, plus strand): 5'-GGCGCCGGGGCGCCCCGCCAAGGTGCTCGTAGACGCCGCCACGGCCGCCCGCATCGCGCC[G>T]CAACCGCGCCCCAGGGCCCGCTGCGGGCCAGCCGGGCTCCAGCAGGCTGAGCAGTAGCAG-3'
Protein context (NP_005238.1, residues 16-36): WPAAGPGARL[Arg26=]RDAGGRGGVY